The following is an entry in ClinVar:

NM_182961.4(SYNE1):c.10145+18C>G

Gene: SYNE1 (spectrin repeat containing nuclear envelope protein 1; minus strand). Cytogenetic location: 6q25.2.
Variant type: single nucleotide variant.
Coding change: c.10145+18C>G on transcript NM_182961.4 (MANE Select); 18 bases into the intron after coding-DNA position 10145, C replaced by G.
Molecular consequence: intron variant.
Genome position (GRCh38, 1-based): chr6:152,364,829, G>C on the plus strand (C>G on the coding strand, the complement: SYNE1 is on the minus strand). VCF-style: chr6-152364829-G-C. GRCh37 (hg19) VCF-style: chr6-152685964-G-C.
Other names: c.10166+18C>G (NM_033071.5).
Identifiers: ClinVar variation 380939 (VCV000380939.10), dbSNP rs79796456, ClinGen allele CA4057067.

ClinVar aggregate classification (germline): Benign. Review status: criteria provided, multiple submitters, no conflicts (2 of 4 stars). 2 submissions from 2 submitters: Benign (2). Last evaluated 2026-01-27.

Conditions:
Emery-Dreifuss muscular dystrophy 4, autosomal dominant (EDMD4). Also called: EMERY-DREIFUSS MUSCULAR DYSTROPHY 4 WITH VARIABLE FEATURES. Identifiers: Orphanet 261, MedGen C2751807, MONDO:0013071, OMIM 612998.
Autosomal recessive ataxia, Beauce type. Also called: ATAXIA, RECESSIVE, OF BEAUCE; SYNE1-Related Autosomal Recessive Cerebellar Ataxia; Spinocerebellar ataxia, autosomal recessive 8; SYNE1 Deficiency. Identifiers: Orphanet 88644, MedGen C1853116, MONDO:0012549, OMIM 610743.

Allele frequency attached by ClinVar (database versions not stated): gnomAD exomes 0.00277; ExAC 0.00346; gnomAD 0.01179; ESP Exome Variant Server 0.01253; TOPMed 0.01346; 1000 Genomes Project 0.01438; 1000 Genomes Project 30x 0.01608.
gnomAD v4.1: 3,489 of 1,614,078 alleles (0.22%); highest among the groups gnomAD compares: African/African-American, 4%; 64 homozygotes.

Submissions (2):

Labcorp Genetics (formerly Invitae), Labcorp
Classification: Benign for Emery-Dreifuss muscular dystrophy 4, autosomal dominant; Autosomal recessive ataxia, Beauce type. Last evaluated: 2026-01-27. Review status: criteria provided, single submitter. Criteria: Invitae Variant Classification Sherloc (09022015). Collection method: clinical testing. Allele origin: germline.

GeneDx
Classification: Benign. Last evaluated: 2016-11-04. Review status: criteria provided, single submitter. Criteria: GeneDx Variant Classification (06012015). Collection method: clinical testing. Allele origin: germline. Affected: yes.
Comment: This variant is considered likely benign or benign based on one or more of the following criteria: it is a conservative change, it occurs at a poorly conserved position in the protein, it is predicted to be benign by multiple in silico algorithms, and/or has population frequency not consistent with disease.